The following is an entry in ClinVar:

NM_001365536.1(SCN9A):c.4184G>T (p.Gly1395Val)

Genes: SCN1A-AS1 (SCN1A and SCN9A antisense RNA 1; plus strand), SCN9A (sodium voltage-gated channel alpha subunit 9; minus strand). Cytogenetic location: 2q24.3.
Variant type: single nucleotide variant.
Coding change: c.4184G>T on transcript NM_001365536.1 (MANE Select); coding-DNA position 4184, G replaced by T.
Protein change: p.Gly1395Val; replaces glycine 1395 with valine.
Molecular consequence: missense variant.
Genome position (GRCh38, 1-based): chr2:166,228,713, C>A on the plus strand (G>T on the coding strand, the complement: SCN9A is on the minus strand). VCF-style: chr2-166228713-C-A. GRCh37 (hg19) VCF-style: chr2-167085223-C-A.
Other names: c.4151G>T, p.Gly1384Val (NM_002977.4); short protein forms G1384V, G1395V.
Identifiers: ClinVar variation 1369675 (VCV001369675.6), dbSNP rs764682998, ClinGen allele CA349063245.

ClinVar aggregate classification (germline): Uncertain significance (1 of 4 stars; one submission).

Conditions:
Generalized epilepsy with febrile seizures plus, type 7 (GEFSP7). Also called: GEFS+, TYPE 7. Identifiers: Orphanet 36387, MedGen C2751778, MONDO:0013470, OMIM 613863.
Neuropathy, hereditary sensory and autonomic, type 2A (HSAN2A). Also called: WNK1-Related HSAN2 (HSAN2A); HSAN IIA; NEUROPATHY, CONGENITAL SENSORY; MORVAN DISEASE; NEUROPATHY, HEREDITARY SENSORY RADICULAR, AUTOSOMAL RECESSIVE; NEUROPATHY, HEREDITARY SENSORY, TYPE IIA. Identifiers: Orphanet 970, MedGen C2752089, MONDO:0024309, OMIM 201300.

gnomAD v4.1: 1 of 1,612,484 alleles (0.000062%); no homozygotes.

Submission:

Labcorp Genetics (formerly Invitae), Labcorp
Classification: Uncertain significance for Neuropathy, hereditary sensory and autonomic, type 2A; Generalized epilepsy with febrile seizures plus, type 7. Last evaluated: 2024-02-24. Review status: criteria provided, single submitter. Criteria: Invitae Variant Classification Sherloc (09022015). Collection method: clinical testing. Allele origin: germline.
Comment: This sequence change replaces glycine, which is neutral and non-polar, with valine, which is neutral and non-polar, at codon 1384 of the SCN9A protein (p.Gly1384Val). This variant is not present in population databases (gnomAD no frequency). This variant has not been reported in the literature in individuals affected with SCN9A-related conditions. ClinVar contains an entry for this variant (Variation ID: 1369675). Advanced modeling of protein sequence and biophysical properties (such as structural, functional, and spatial information, amino acid conservation, physicochemical variation, residue mobility, and thermodynamic stability) has been performed at Invitae for this missense variant, however the output from this modeling did not meet the statistical confidence thresholds required to predict the impact of this variant on SCN9A protein function. In summary, the available evidence is currently insufficient to determine the role of this variant in disease. Therefore, it has been classified as a Variant of Uncertain Significance.